The following is an entry in ClinVar:

NM_005912.3(MC4R):c.1A>G (p.Met1Val)

Gene: MC4R (melanocortin 4 receptor; minus strand). Cytogenetic location: 18q21.32.
Variant type: single nucleotide variant.
Coding change: c.1A>G on transcript NM_005912.3 (MANE Select); coding-DNA position 1, A replaced by G.
Protein change: p.Met1Val; changes the start codon (methionine 1).
Molecular consequence: missense variant, initiator codon variant.
Genome position (GRCh38, 1-based): chr18:60,372,349, T>C on the plus strand (A>G on the coding strand, the complement: MC4R is on the minus strand). VCF-style: chr18-60372349-T-C. GRCh37 (hg19) VCF-style: chr18-58039582-T-C.
Other names: short protein forms M1V.
Identifiers: ClinVar variation 3348253 (VCV003348253.1).

ClinVar aggregate classification (germline): Uncertain significance (0 of 4 stars; one submission).

Conditions:
MC4R-related disorder. Also called: MC4R-related condition.

Submission:

PreventionGenetics, part of Exact Sciences
Classification: Uncertain significance for MC4R-related condition. Last evaluated: 2023-10-18. Review status: no assertion criteria provided. Collection method: clinical testing. Allele origin: germline.
Comment: The MC4R c.1A>G variant is predicted to disrupt the translation initiation site (Start Loss). This variant was reported in an individual with childhood-onset obesity (da Fonseca et al 2019. PubMed ID: 30863132). Of note, a nearby methionine (Met) codon is found eight amino acids downstream. Functional studies have not yet been conducted to analyze if this downstream codon is able to initiate translation resulting in a shorten protein. This variant has not been reported in a large population database, indicating this variant is rare. At this time, the clinical significance of this variant is uncertain due to the absence of conclusive functional and genetic evidence.